The following is an entry in ClinVar:

NM_001290060.2(SEMA3B):c.1715del (p.Arg572fs)

Gene: SEMA3B (semaphorin 3B; plus strand). Cytogenetic location: 3p21.31.
Variant type: Deletion.
Coding change: c.1715del on transcript NM_001290060.2 (MANE Select); coding-DNA position 1715, one base deleted (G; older notation c.1715delG).
Protein change: p.Arg572fs; shifts the reading frame from arginine 572.
Molecular consequence: frameshift variant. On other transcripts: non-coding transcript variant (1).
Genome position (GRCh38, 1-based): chr3:50,275,714, G deleted. VCF-style (leftmost placement, unchanged base first): chr3-50275713-CG-C. GRCh37 (hg19) VCF-style: chr3-50313144-CG-C.
Other names: c.1730delG (NM_001290061.1); c.1712del, p.Arg571fs (NM_001005914.3); c.1730del, p.Arg577fs (NM_001290061.1); c.686del, p.Arg229fs (NM_001290062.2, NM_001290063.2); c.1715del, p.Arg572fs (NM_004636.4); short protein forms R229fs, R571fs, R572fs, R577fs.
Identifiers: ClinVar variation 3357873 (VCV003357873.1).
Genomic context (GRCh38, chr3:50,275,713, plus strand): 5'-GACGCCCCACCTGCCCTGCCTTGCCTAAATCTGACTTTCTTCTCGCCCCAAGACTCGTCT[CG>C]TCCCGCGCTGCTGGAACACAAGGTGTTCGGCGTGGAGGGCAGCAGCGCCTTTCTGGAGTG-3'

ClinVar aggregate classification (germline): Uncertain significance (0 of 4 stars; one submission).

Conditions:
SEMA3B-related disorder. Also called: SEMA3B-related condition.

Submission:

PreventionGenetics, part of Exact Sciences
Classification: Uncertain significance for SEMA3B-related condition. Last evaluated: 2024-05-08. Review status: no assertion criteria provided. Collection method: clinical testing. Allele origin: germline.
Comment: The SEMA3B c.1730delG variant is predicted to result in a frameshift and premature protein termination (p.Arg577Leufs*39). To our knowledge, this variant has not been reported in the literature or in a large population database, indicating this variant is rare. However, loss of function has not been established as a disease mechanism for this gene. At this time, the clinical significance of this variant is uncertain due to the absence of conclusive functional and genetic evidence.